The following is an entry in ClinVar:

ClinVar aggregate classification (germline): Uncertain significance (1 of 4 stars; one submission).

Conditions:
Kufor-Rakeb syndrome (KRS). Also called: PARKINSON DISEASE 9, AUTOSOMAL RECESSIVE, JUVENILE-ONSET. Identifiers: Orphanet 306674, Orphanet 314632, MedGen C1847640, MONDO:0011706, OMIM 606693.
Autosomal recessive spastic paraplegia type 78. Identifiers: Orphanet 513436, MedGen C5567893, MONDO:0014975, OMIM 617225.

Submission:

Labcorp Genetics (formerly Invitae), Labcorp
Classification: Uncertain significance for Kufor-Rakeb syndrome; Autosomal recessive spastic paraplegia type 78. Last evaluated: 2021-05-12. Review status: criteria provided, single submitter. Criteria: Invitae Variant Classification Sherloc (09022015). Collection method: clinical testing. Allele origin: germline.
Comment: This variant is not present in population databases (ExAC no frequency). This sequence change replaces leucine with proline at codon 1022 of the ATP13A2 protein (p.Leu1022Pro). The leucine residue is weakly conserved and there is a moderate physicochemical difference between leucine and proline. This variant has not been reported in the literature in individuals with ATP13A2-related conditions. In summary, the available evidence is currently insufficient to determine the role of this variant in disease. Therefore, it has been classified as a Variant of Uncertain Significance. Advanced modeling of protein sequence and biophysical properties (such as structural, functional, and spatial information, amino acid conservation, physicochemical variation, residue mobility, and thermodynamic stability) performed at Invitae indicates that this missense variant is not expected to disrupt ATP13A2 protein function.

NM_022089.4(ATP13A2):c.3065T>C (p.Leu1022Pro)

Gene: ATP13A2 (ATPase cation transporting 13A2; minus strand). Cytogenetic location: 1p36.13.
Variant type: single nucleotide variant.
Coding change: c.3065T>C on transcript NM_022089.4 (MANE Select); coding-DNA position 3065, T replaced by C.
Protein change: p.Leu1022Pro; replaces leucine 1022 with proline.
Molecular consequence: missense variant.
Genome position (GRCh38, 1-based): chr1:16,987,064, A>G on the plus strand (T>C on the coding strand, the complement: ATP13A2 is on the minus strand). VCF-style: chr1-16987064-A-G. GRCh37 (hg19) VCF-style: chr1-17313559-A-G.
Other names: c.3050T>C, p.Leu1017Pro (NM_001141973.3); c.2933T>C, p.Leu978Pro (NM_001141974.3); short protein forms L978P, L1017P, L1022P.
Identifiers: ClinVar variation 1490564 (VCV001490564.8), dbSNP rs2076761037, ClinGen allele CA338234351.